The following is an entry in ClinVar:

ClinVar aggregate classification (germline): Uncertain significance. Review status: criteria provided, multiple submitters, no conflicts (2 of 4 stars). 2 submissions from 2 submitters: Uncertain significance (2). Last evaluated 2025-09-01.

Conditions:
Hereditary cancer-predisposing syndrome. Also called: Hereditary Cancer Syndrome; Hereditary neoplastic syndrome; Neoplastic Syndromes, Hereditary; Tumor predisposition. Identifiers: Orphanet 140162, MedGen C0027672, MeSH D009386, MONDO:0015356.
Familial meningioma. Also called: Meningioma, familial, susceptibility to. Identifiers: Orphanet 263662, MedGen C3551915, MONDO:0011789, OMIM 607174.

Allele frequency attached by ClinVar (database versions not stated): gnomAD exomes below 0.00001; TOPMed below 0.00001; gnomAD 0.00001.
gnomAD v4.1: 7 of 1,613,800 alleles (0.00043%); highest among the groups gnomAD compares: South Asian, 0.0055%; no homozygotes.

Submissions (2):

Ambry Genetics
Classification: Uncertain significance for Hereditary cancer-predisposing syndrome. Last evaluated: 2025-09-01. Review status: criteria provided, single submitter. Criteria: Ambry Variant Classification Scheme 2023. Collection method: clinical testing. Allele origin: germline.
Comment: The p.T395A variant (also known as c.1183A>G), located in coding exon 10 of the SMARCE1 gene, results from an A to G substitution at nucleotide position 1183. The threonine at codon 395 is replaced by alanine, an amino acid with similar properties. This amino acid position is not well conserved in available vertebrate species. In addition, this alteration is predicted to be tolerated by in silico analysis. Based on the supporting evidence, the association of this alteration with Coffin-Siris syndrome is unknown; however, the association of this alteration with an increased risk of meningiomas is unlikely.

Labcorp Genetics (formerly Invitae), Labcorp
Classification: Uncertain significance for Familial meningioma. Last evaluated: 2025-07-30. Review status: criteria provided, single submitter. Criteria: Invitae Variant Classification Sherloc (09022015). Collection method: clinical testing. Allele origin: germline.
Comment: This sequence change replaces threonine, which is neutral and polar, with alanine, which is neutral and non-polar, at codon 395 of the SMARCE1 protein (p.Thr395Ala). This variant is not present in population databases (gnomAD no frequency). This variant has not been reported in the literature in individuals affected with SMARCE1-related conditions. ClinVar contains an entry for this variant (Variation ID: 1742697). An algorithm developed to predict the effect of missense changes on protein structure and function outputs the following: PolyPhen-2: "Benign". The alanine amino acid residue is found in multiple mammalian species, which suggests that this missense change does not adversely affect protein function. In summary, the available evidence is currently insufficient to determine the role of this variant in disease. Therefore, it has been classified as a Variant of Uncertain Significance.

NM_003079.5(SMARCE1):c.1183A>G (p.Thr395Ala)

Gene: SMARCE1 (SWI/SNF related BAF chromatin remodeling complex subunit E1; minus strand). Cytogenetic location: 17q21.2.
Variant type: single nucleotide variant.
Coding change: c.1183A>G on transcript NM_003079.5 (MANE Select); coding-DNA position 1183, A replaced by G.
Protein change: p.Thr395Ala; replaces threonine 395 with alanine.
Molecular consequence: missense variant.
Genome position (GRCh38, 1-based): chr17:40,628,838, T>C on the plus strand (A>G on the coding strand, the complement: SMARCE1 is on the minus strand). VCF-style: chr17-40628838-T-C. GRCh37 (hg19) VCF-style: chr17-38785090-T-C.
Other names: short protein forms T395A.
Identifiers: ClinVar variation 1742697 (VCV001742697.5), dbSNP rs1208733370, ClinGen allele CA399360955.